The following is an entry in ClinVar:

NM_001042492.3(NF1):c.6686_6697delinsCA (p.Trp2229fs)

Gene: NF1 (neurofibromin 1; plus strand). Cytogenetic location: 17q11.2.
Variant type: Indel.
Coding change: c.6686_6697delinsCA on transcript NM_001042492.3 (MANE Select); coding-DNA positions 6686 to 6697, GGACAGAACTAG replaced by CA.
Protein change: p.Trp2229fs; shifts the reading frame from tryptophan 2229.
Molecular consequence: frameshift variant.
Genome position (GRCh38, 1-based): chr17:31,337,862-31,337,873, GGACAGAACTAG replaced by CA. VCF-style: chr17-31337862-GGACAGAACTAG-CA. GRCh37 (hg19) VCF-style: chr17-29664880-GGACAGAACTAG-CA.
Other names: c.6623_6634del12insCA (NM_000267.3); c.6623_6634delGGACAGAACTAGinsCA, p.Trp2208Serfs (NM_000267.4); short protein forms W2229fs, W2208fs.
Identifiers: ClinVar variation 1754532 (VCV001754532.3), dbSNP rs2508757277, ClinGen allele CA2580093118.

ClinVar aggregate classification (germline): Pathogenic (1 of 4 stars; one submission).

Conditions:
Cardiovascular phenotype. Identifiers: MedGen CN230736.
Hereditary cancer-predisposing syndrome. Also called: Neoplastic Syndromes, Hereditary; Tumor predisposition; Hereditary Cancer Syndrome; Hereditary neoplastic syndrome. Identifiers: Orphanet 140162, MedGen C0027672, MeSH D009386, MONDO:0015356.

Submission:

Ambry Genetics
Classification: Pathogenic for Cardiovascular phenotype; Hereditary cancer-predisposing syndrome. Last evaluated: 2024-10-10. Review status: criteria provided, single submitter. Criteria: Ambry Variant Classification Scheme 2023. Collection method: clinical testing. Allele origin: germline.
Comment: The c.6623_6634del12insCA pathogenic mutation, located in coding exon 43 of the NF1 gene, results from the deletion of 12 nucleotides and insertion of two nucleotides causing a translational frameshift with a predicted alternate stop codon (p.W2208Sfs*33). This variant is considered to be rare based on population cohorts in the Genome Aggregation Database (gnomAD). This alteration is expected to result in loss of function by premature protein truncation or nonsense-mediated mRNA decay. As such, this alteration is interpreted as a disease-causing mutation.